The following is an entry in ClinVar:

ClinVar aggregate classification (germline): Benign/Likely benign. Review status: criteria provided, multiple submitters, no conflicts (2 of 4 stars). 5 submissions from 5 submitters: Benign (1); Likely benign (4). Last evaluated 2025-07-29.

Conditions:
Hereditary cancer-predisposing syndrome. Also called: Hereditary neoplastic syndrome; Neoplastic Syndromes, Hereditary; Tumor predisposition; Hereditary Cancer Syndrome. Identifiers: Orphanet 140162, MedGen C0027672, MeSH D009386, MONDO:0015356.
Fanconi anemia complementation group O. Also called: RAD51C-Related Fanconi Anemia. Identifiers: Orphanet 84, MedGen C3150653, MONDO:0013248, OMIM 613390.
Breast-ovarian cancer, familial, susceptibility to, 3. Also called: RAD51C-Related Breast/Ovarian Cancer. Identifiers: Orphanet 145, MedGen C3150659, MONDO:0013253, OMIM 613399.

Allele frequency attached by ClinVar (database versions not stated): gnomAD exomes below 0.00001; TOPMed below 0.00001.
gnomAD v4.1: 1 of 1,613,134 alleles (0.000062%); highest among the groups gnomAD compares: African/African-American, 0.0013%; no homozygotes.

Submissions (5):

Labcorp Genetics (formerly Invitae), Labcorp
Classification: Likely benign for Fanconi anemia complementation group O. Last evaluated: 2025-07-29. Review status: criteria provided, single submitter. Criteria: Invitae Variant Classification Sherloc (09022015). Collection method: clinical testing. Allele origin: germline.

Myriad Genetics, Inc.
Classification: Benign for Breast-ovarian cancer, familial, susceptibility to, 3. Last evaluated: 2025-02-19. Review status: criteria provided, single submitter. Criteria: Myriad Autosomal Dominant, Autosomal Recessive and X-Linked Classification Criteria (2023). Collection method: clinical testing. Allele origin: unknown.
Comment: This variant is considered benign. This variant is a silent/synonymous amino acid change and it is not expected to impact splicing.

GeneDx
Classification: Likely benign. Last evaluated: 2018-04-25. Review status: criteria provided, single submitter. Criteria: GeneDx Variant Classification (06012015). Collection method: clinical testing. Allele origin: germline. Affected: yes.
Comment: This variant is considered likely benign or benign based on one or more of the following criteria: it is a conservative change, it occurs at a poorly conserved position in the protein, it is predicted to be benign by multiple in silico algorithms, and/or has population frequency not consistent with disease.

Color Diagnostics, LLC DBA Color Health
Classification: Likely benign for Hereditary cancer-predisposing syndrome. Last evaluated: 2017-11-17. Review status: criteria provided, single submitter. Criteria: ACMG Guidelines, 2015. Collection method: clinical testing. Allele origin: germline.

Ambry Genetics
Classification: Likely benign for Hereditary cancer-predisposing syndrome. Last evaluated: 2016-06-21. Review status: criteria provided, single submitter. Criteria: Ambry Variant Classification Scheme 2023. Collection method: clinical testing. Allele origin: germline.

NM_058216.3(RAD51C):c.1098G>C (p.Arg366=)

Gene: RAD51C (RAD51 paralog C; plus strand). Cytogenetic location: 17q22.
Variant type: single nucleotide variant.
Coding change: c.1098G>C on transcript NM_058216.3 (MANE Select); coding-DNA position 1098, G replaced by C.
Protein change: p.Arg366=; no amino-acid change (arginine 366 retained).
Molecular consequence: synonymous variant. On other transcripts: non-coding transcript variant (1).
Genome position (GRCh38, 1-based): chr17:58,734,189, G>C. VCF-style: chr17-58734189-G-C. GRCh37 (hg19) VCF-style: chr17-56811550-G-C.
Identifiers: ClinVar variation 484738 (VCV000484738.20), dbSNP rs1555605608, ClinGen allele CA501076207.